The following is an entry in ClinVar:

NM_000260.4(MYO7A):c.4817A>G (p.Lys1606Arg)

Gene: MYO7A (myosin VIIA; plus strand). Cytogenetic location: 11q13.5.
Variant type: single nucleotide variant.
Coding change: c.4817A>G on transcript NM_000260.4 (MANE Select); coding-DNA position 4817, A replaced by G.
Protein change: p.Lys1606Arg; replaces lysine 1606 with arginine.
Molecular consequence: missense variant.
Genome position (GRCh38, 1-based): chr11:77,199,783, A>G. VCF-style: chr11-77199783-A-G. GRCh37 (hg19) VCF-style: chr11-76910828-A-G.
Other names: c.4703A>G, p.Lys1568Arg (NM_001127180.2); c.4670A>G, p.Lys1557Arg (NM_001369365.1); short protein forms K1557R, K1568R, K1606R.
Identifiers: ClinVar variation 2865069 (VCV002865069.3), dbSNP rs2497594162, ClinGen allele CA381950991.
Genomic context (GRCh38, chr11:77,199,783, plus strand): 5'-ATGCTGAGGACATTCGTGACCTGGTGGTCACCTTCCTAGAGGGGCTCCGGAAGAGATCTA[A>G]GTATGTTGTGGCCCTGCAGGATAACCCCAACCCCGGTGAGTGGCTGCTGGTATGGACTGC-3'
Protein context (NP_000251.3, residues 1596-1616): TFLEGLRKRS[Lys1606Arg]YVVALQDNPN

ClinVar aggregate classification (germline): Uncertain significance (1 of 4 stars; one submission).

Submission:

Labcorp Genetics (formerly Invitae), Labcorp
Classification: Uncertain significance. Last evaluated: 2023-05-19. Review status: criteria provided, single submitter. Criteria: Invitae Variant Classification Sherloc (09022015). Collection method: clinical testing. Allele origin: germline.
Comment: In summary, the available evidence is currently insufficient to determine the role of this variant in disease. Therefore, it has been classified as a Variant of Uncertain Significance. Algorithms developed to predict the effect of sequence changes on RNA splicing suggest that this variant may disrupt the consensus splice site. Advanced modeling of protein sequence and biophysical properties (such as structural, functional, and spatial information, amino acid conservation, physicochemical variation, residue mobility, and thermodynamic stability) performed at Invitae indicates that this missense variant is not expected to disrupt MYO7A protein function. This variant has not been reported in the literature in individuals affected with MYO7A-related conditions. This variant is not present in population databases (gnomAD no frequency). This sequence change replaces lysine, which is basic and polar, with arginine, which is basic and polar, at codon 1606 of the MYO7A protein (p.Lys1606Arg).